The following is an entry in ClinVar:

NM_000228.3(LAMB3):c.2124T>C (p.Ser708=)

Gene: LAMB3 (laminin subunit beta 3; minus strand). Cytogenetic location: 1q32.2.
Variant type: single nucleotide variant.
Coding change: c.2124T>C on transcript NM_000228.3 (MANE Select); coding-DNA position 2124, T replaced by C.
Protein change: p.Ser708=; no amino-acid change (serine 708 retained).
Molecular consequence: synonymous variant.
Genome position (GRCh38, 1-based): chr1:209,623,853, A>G on the plus strand (T>C on the coding strand, the complement: LAMB3 is on the minus strand). VCF-style: chr1-209623853-A-G. GRCh37 (hg19) VCF-style: chr1-209797198-A-G.
Other names: c.2124T>C, p.Ser708= (NM_001017402.2, NM_001127641.1).
Identifiers: ClinVar variation 295095 (VCV000295095.18), dbSNP rs2072937, ClinGen allele CA1375376.

ClinVar aggregate classification (germline): Benign. Review status: criteria provided, multiple submitters, no conflicts (2 of 4 stars). 7 submissions from 5 submitters: Benign (7). Last evaluated 2026-02-04.

Conditions:
Amelogenesis imperfecta type 1A. Also called: Amelogenesis imperfecta local hypoplastic; Amelogenesis imperfecta, hypoplastic type; Amelogenesis imperfecta, type IA; AMELOGENESIS IMPERFECTA, HYPOPLASTIC TYPE IA. Identifiers: Orphanet 88661, MedGen C4011403, MONDO:0007094, OMIM 104530.
Junctional epidermolysis bullosa. Identifiers: Orphanet 305, MedGen C0079301, MONDO:0017612.
Junctional epidermolysis bullosa, non-Herlitz type. Also called: EPIDERMOLYSIS BULLOSA JUNCTIONALIS, DISENTIS TYPE; EPIDERMOLYSIS BULLOSA JUNCTIONALIS, NON-HERLITZ TYPE; EPIDERMOLYSIS BULLOSA JUNCTIONALIS, PROGRESSIVE; EPIDERMOLYSIS BULLOSA JUNCTIONALIS, SEVERE NONLETHAL; Adult junctional epidermolysis bullosa; Epidermolysis bullosa, junctional, non-herlitz type, somatic mosaic revertant. Identifiers: Orphanet 251393, Orphanet 79402, Orphanet 79405, Orphanet 89840, MedGen C0268374, MONDO:0009180, OMIM 226650.
Junctional epidermolysis bullosa gravis of Herlitz. Also called: EPIDERMOLYSIS BULLOSA JUNCTIONALIS, HERLITZ TYPE; EPIDERMOLYSIS BULLOSA, JUNCTIONAL, HERLITZ-PEARSON TYPE; JEB-HERLITZ TYPE; Epidermolysis Bullosa Letalis; Herlitz-type junctional epidermolysis bullosa; EPIDERMOLYSIS BULLOSA, JUNCTIONAL 1B, SEVERE. Identifiers: Orphanet 79404, MedGen C0079683, MONDO:0009182, OMIM 226700.

Allele frequency attached by ClinVar (database versions not stated): ESP Exome Variant Server 0.01768; gnomAD 0.02665 and 0.03229; TOPMed 0.03548; gnomAD exomes 0.03739; ExAC 0.05566; 1000 Genomes Project 30x 0.08276; 1000 Genomes Project 0.08866.

Submissions (7):

Labcorp Genetics (formerly Invitae), Labcorp
Classification: Benign. Last evaluated: 2026-02-04. Review status: criteria provided, single submitter. Criteria: Invitae Variant Classification Sherloc (09022015). Collection method: clinical testing. Allele origin: germline.

Genome-Nilou Lab
Classification: Benign for Amelogenesis imperfecta type 1A. Last evaluated: 2021-07-08. Review status: criteria provided, single submitter. Criteria: ACMG Guidelines, 2015. Collection method: clinical testing. Allele origin: germline. Affected: no.

Genome-Nilou Lab
Classification: Benign for Junctional epidermolysis bullosa gravis of Herlitz. Last evaluated: 2021-07-08. Review status: criteria provided, single submitter. Criteria: ACMG Guidelines, 2015. Collection method: clinical testing. Allele origin: germline. Affected: no.

Genome-Nilou Lab
Classification: Benign for Junctional epidermolysis bullosa, non-Herlitz type. Last evaluated: 2021-07-08. Review status: criteria provided, single submitter. Criteria: ACMG Guidelines, 2015. Collection method: clinical testing. Allele origin: germline. Affected: no.

Illumina Laboratory Services, Illumina
Classification: Benign for Junctional epidermolysis bullosa. Last evaluated: 2018-01-13. Review status: criteria provided, single submitter. Criteria: ICSL Variant Classification Criteria 13 December 2019. Collection method: clinical testing. Allele origin: germline.
Comment: This variant was observed in the ICSL laboratory as part of a predisposition screen in an ostensibly healthy population. It had not been previously curated by ICSL or reported in the Human Gene Mutation Database (HGMD: prior to June 1st, 2018), and was therefore a candidate for classification through an automated scoring system. Utilizing variant allele frequency, disease prevalence and penetrance estimates, and inheritance mode, an automated score was calculated to assess if this variant is too frequent to cause the disease. Based on the score and internal cut-off values, a variant classified as benign is not then subjected to further curation. The score for this variant resulted in a classification of benign for this disease.

GeneDx
Classification: Benign. Last evaluated: 2015-03-03. Review status: criteria provided, single submitter. Criteria: GeneDx Variant Classification Process June 2021. Collection method: clinical testing. Allele origin: germline. Affected: yes.

Breakthrough Genomics
Classification: Benign. Review status: criteria provided, single submitter. Criteria: ACMG Guidelines, 2015. Collection method: not provided. Allele origin: germline. Inheritance: Autosomal recessive inheritance. Affected: yes.